The following is an entry in ClinVar:

NM_000368.5(TSC1):c.1585G>T (p.Ala529Ser)

Gene: TSC1 (TSC complex subunit 1; minus strand). Cytogenetic location: 9q34.13.
Variant type: single nucleotide variant.
Coding change: c.1585G>T on transcript NM_000368.5 (MANE Select); coding-DNA position 1585, G replaced by T.
Protein change: p.Ala529Ser; replaces alanine 529 with serine.
Molecular consequence: missense variant.
Genome position (GRCh38, 1-based): chr9:132,905,993, C>A on the plus strand (G>T on the coding strand, the complement: TSC1 is on the minus strand). VCF-style: chr9-132905993-C-A. GRCh37 (hg19) VCF-style: chr9-135781380-C-A.
Other names: c.1582G>T, p.Ala528Ser (NM_001162426.2); c.1432G>T, p.Ala478Ser (NM_001162427.2); c.1222G>T, p.Ala408Ser (NM_001362177.2); short protein forms A478S, A528S, A529S, A408S.
Identifiers: ClinVar variation 819604 (VCV000819604.10), dbSNP rs751125011, ClinGen allele CA375364926.

ClinVar aggregate classification (germline): Conflicting classifications of pathogenicity. Review status: criteria provided, conflicting classifications (1 of 4 stars). 2 submissions from 2 submitters: Uncertain significance (1); Likely benign (1). Last evaluated 2025-09-27.

Conditions:
Hereditary cancer-predisposing syndrome. Also called: Hereditary Cancer Syndrome; Neoplastic Syndromes, Hereditary; Hereditary neoplastic syndrome; Tumor predisposition. Identifiers: Orphanet 140162, MedGen C0027672, MeSH D009386, MONDO:0015356.
Tuberous sclerosis 1 (TSC1). Identifiers: Orphanet 805, MedGen C1854465, MONDO:0008612, OMIM 191100.

Submissions (2):

Labcorp Genetics (formerly Invitae), Labcorp
Classification: Uncertain significance for Tuberous sclerosis 1. Last evaluated: 2025-09-27. Review status: criteria provided, single submitter. Criteria: Invitae Variant Classification Sherloc (09022015). Collection method: clinical testing. Allele origin: germline.
Comment: This sequence change replaces alanine, which is neutral and non-polar, with serine, which is neutral and polar, at codon 529 of the TSC1 protein (p.Ala529Ser). This variant is not present in population databases (gnomAD no frequency). This variant has not been reported in the literature in individuals affected with TSC1-related conditions. ClinVar contains an entry for this variant (Variation ID: 819604). Invitae Evidence Modeling of protein sequence and biophysical properties (such as structural, functional, and spatial information, amino acid conservation, physicochemical variation, residue mobility, and thermodynamic stability) indicates that this missense variant is not expected to disrupt TSC1 protein function with a negative predictive value of 95%. In summary, the available evidence is currently insufficient to determine the role of this variant in disease. Therefore, it has been classified as a Variant of Uncertain Significance.

Ambry Genetics
Classification: Likely benign for Hereditary cancer-predisposing syndrome. Last evaluated: 2025-09-12. Review status: criteria provided, single submitter. Criteria: Ambry Variant Classification Scheme 2023. Collection method: clinical testing. Allele origin: germline.